The following is an entry in ClinVar:

NM_015346.4(ZFYVE26):c.4427G>A (p.Arg1476Gln)

Gene: ZFYVE26 (zinc finger FYVE-type containing 26; minus strand). Cytogenetic location: 14q24.1.
Variant type: single nucleotide variant.
Coding change: c.4427G>A on transcript NM_015346.4 (MANE Select); coding-DNA position 4427, G replaced by A.
Protein change: p.Arg1476Gln; replaces arginine 1476 with glutamine.
Molecular consequence: missense variant.
Genome position (GRCh38, 1-based): chr14:67,781,475, C>T on the plus strand (G>A on the coding strand, the complement: ZFYVE26 is on the minus strand). VCF-style: chr14-67781475-C-T. GRCh37 (hg19) VCF-style: chr14-68248192-C-T.
Other names: p.Arg1476Gln; short protein forms R1476Q.
Identifiers: ClinVar variation 423921 (VCV000423921.6), dbSNP rs202124427, ClinGen allele CA7239764.

ClinVar aggregate classification (germline): Conflicting classifications of pathogenicity. Review status: criteria provided, conflicting classifications (1 of 4 stars). 4 submissions from 4 submitters: Uncertain significance (3); Likely benign (1). Last evaluated 2024-07-29.

Conditions:
Spastic paraplegia. Identifiers: MedGen C0037772, HP:0001258.

Allele frequency attached by ClinVar (database versions not stated): gnomAD 0.00001; ExAC 0.00002; gnomAD exomes 0.00002.
gnomAD v4.1: 29 of 1,614,032 alleles (0.0018%); highest among the groups gnomAD compares: Middle Eastern, 0.066%; no homozygotes.

Submissions (4):

Blueprint Genetics
Classification: Likely benign. Last evaluated: 2024-07-29. Review status: criteria provided, single submitter. Criteria: ACMG Guidelines, 2015. Collection method: clinical testing. Allele origin: germline.

Mayo Clinic Laboratories, Mayo Clinic
Classification: Uncertain significance. Last evaluated: 2023-08-18. Review status: criteria provided, single submitter. Criteria: ACMG Guidelines, 2015. Collection method: clinical testing. Allele origin: germline. Observed: 1 variant allele.
Comment: BP4

Labcorp Genetics (formerly Invitae), Labcorp
Classification: Uncertain significance for Spastic paraplegia. Last evaluated: 2022-02-19. Review status: criteria provided, single submitter. Criteria: Invitae Variant Classification Sherloc (09022015). Collection method: clinical testing. Allele origin: germline.
Comment: This sequence change replaces arginine, which is basic and polar, with glutamine, which is neutral and polar, at codon 1476 of the ZFYVE26 protein (p.Arg1476Gln). This variant is present in population databases (rs202124427, gnomAD 0.005%). This variant has not been reported in the literature in individuals affected with ZFYVE26-related conditions. ClinVar contains an entry for this variant (Variation ID: 423921). Algorithms developed to predict the effect of missense changes on protein structure and function output the following: SIFT: "Tolerated"; PolyPhen-2: "Benign"; Align-GVGD: "Class C0". The glutamine amino acid residue is found in multiple mammalian species, which suggests that this missense change does not adversely affect protein function. In summary, the available evidence is currently insufficient to determine the role of this variant in disease. Therefore, it has been classified as a Variant of Uncertain Significance.

GeneDx
Classification: Uncertain significance. Last evaluated: 2017-02-24. Review status: criteria provided, single submitter. Criteria: GeneDx Variant Classification (06012015). Collection method: clinical testing. Allele origin: germline. Affected: yes.
Comment: The R1476Q variant in the ZFYVE26 gene has not been reported previously as a pathogenic variant, nor as a benign variant, to our knowledge. The R1476Q variant is not observed at a significant frequency in large population cohorts (Lek et al., 2016; 1000 Genomes Consortium et al., 2015; Exome Variant Server). The R1476Q variant is a semi-conservative amino acid substitution, which may impact secondary protein structure as these residues differ in some properties. However, this substitution occurs at a position that is not conserved, and in silico analysis is inconsistent in its predictions as to whether or not the variant is damaging to the protein structure/function. Therefore, we interpret R1476Q as a variant of uncertain significance.